The following is an entry in ClinVar:

ClinVar aggregate classification (germline): Uncertain significance. Review status: criteria provided, multiple submitters, no conflicts (2 of 4 stars). 2 submissions from 2 submitters: Uncertain significance (2). Last evaluated 2024-12-02.

Conditions:
Acrocallosal syndrome (ACLS). Also called: HALLUX DUPLICATION, POSTAXIAL POLYDACTYLY, AND ABSENCE OF CORPUS CALLOSUM; Schinzel syndrome 1; Absence of corpus callosum with unusual facial appearance, mental deficiency, duplication of the halluces and polydactyly. Identifiers: Orphanet 36, MedGen C0796147, MONDO:0008708, OMIM 200990.

Allele frequency attached by ClinVar (database versions not stated): TOPMed below 0.00001; gnomAD exomes 0.00001.
gnomAD v4.1: 4 of 1,551,276 alleles (0.00026%); highest among the groups gnomAD compares: Non-Finnish European, 0.00035%; no homozygotes.

Submissions (2):

Labcorp Genetics (formerly Invitae), Labcorp
Classification: Uncertain significance for Acrocallosal syndrome. Last evaluated: 2024-12-02. Review status: criteria provided, single submitter. Criteria: Invitae Variant Classification Sherloc (09022015). Collection method: clinical testing. Allele origin: germline.
Comment: This sequence change replaces leucine, which is neutral and non-polar, with arginine, which is basic and polar, at codon 44 of the KIF7 protein (p.Leu44Arg). This variant is not present in population databases (gnomAD no frequency). This variant has not been reported in the literature in individuals affected with KIF7-related conditions. ClinVar contains an entry for this variant (Variation ID: 1441265). Invitae Evidence Modeling of protein sequence and biophysical properties (such as structural, functional, and spatial information, amino acid conservation, physicochemical variation, residue mobility, and thermodynamic stability) indicates that this missense variant is not expected to disrupt KIF7 protein function with a negative predictive value of 80%. In summary, the available evidence is currently insufficient to determine the role of this variant in disease. Therefore, it has been classified as a Variant of Uncertain Significance.

Blueprint Genetics
Classification: Uncertain significance. Last evaluated: 2024-11-22. Review status: criteria provided, single submitter. Criteria: ACMG Guidelines, 2015. Collection method: clinical testing. Allele origin: germline.

NM_198525.3(KIF7):c.131T>G (p.Leu44Arg)

Gene: KIF7 (kinesin family member 7; minus strand). Cytogenetic location: 15q26.1.
Variant type: single nucleotide variant.
Coding change: c.131T>G on transcript NM_198525.3 (MANE Select); coding-DNA position 131, T replaced by G.
Protein change: p.Leu44Arg; replaces leucine 44 with arginine.
Molecular consequence: missense variant.
Genome position (GRCh38, 1-based): chr15:89,652,800, A>C on the plus strand (T>G on the coding strand, the complement: KIF7 is on the minus strand). VCF-style: chr15-89652800-A-C. GRCh37 (hg19) VCF-style: chr15-90196031-A-C.
Other names: short protein forms L44R.
Identifiers: ClinVar variation 1441265 (VCV001441265.9), dbSNP rs1964145444, ClinGen allele CA393780491.